The following is an entry in ClinVar:

NM_006030.4(CACNA2D2):c.1157A>G (p.Asn386Ser)

Gene: CACNA2D2 (calcium voltage-gated channel auxiliary subunit alpha2delta 2; minus strand). Cytogenetic location: 3p21.31.
Variant type: single nucleotide variant.
Coding change: c.1157A>G on transcript NM_006030.4 (MANE Select); coding-DNA position 1157, A replaced by G.
Protein change: p.Asn386Ser; replaces asparagine 386 with serine.
Molecular consequence: missense variant.
Genome position (GRCh38, 1-based): chr3:50,379,195, T>C on the plus strand (A>G on the coding strand, the complement: CACNA2D2 is on the minus strand). VCF-style: chr3-50379195-T-C. GRCh37 (hg19) VCF-style: chr3-50416626-T-C.
Other names: c.1157A>G, p.Asn386Ser (NM_001005505.3, NM_001174051.3); c.950A>G, p.Asn317Ser (NM_001291101.1); short protein forms N317S, N386S.
Identifiers: ClinVar variation 1474930 (VCV001474930.9), dbSNP rs773773742, ClinGen allele CA2418957.

ClinVar aggregate classification (germline): Uncertain significance (1 of 4 stars; one submission).

Conditions:
Early-infantile DEE. Also called: Ohtahara syndrome; Early infantile epileptic encephalopathy with suppression bursts; Early infantile epileptic encephalopathy. Identifiers: Orphanet 1934, MedGen C0393706, MONDO:0800491.

Allele frequency attached by ClinVar (database versions not stated): gnomAD exomes below 0.00001; TOPMed below 0.00001; ExAC 0.00001; gnomAD 0.00001.
gnomAD v4.1: 2 of 1,613,132 alleles (0.00012%); highest among the groups gnomAD compares: Non-Finnish European, 0.00017%; no homozygotes.

Submission:

Labcorp Genetics (formerly Invitae), Labcorp
Classification: Uncertain significance for Early-infantile DEE. Last evaluated: 2022-06-13. Review status: criteria provided, single submitter. Criteria: Invitae Variant Classification Sherloc (09022015). Collection method: clinical testing. Allele origin: germline.
Comment: This sequence change replaces asparagine, which is neutral and polar, with serine, which is neutral and polar, at codon 386 of the CACNA2D2 protein (p.Asn386Ser). In summary, the available evidence is currently insufficient to determine the role of this variant in disease. Therefore, it has been classified as a Variant of Uncertain Significance. Algorithms developed to predict the effect of sequence changes on RNA splicing suggest that this variant may create or strengthen a splice site. Algorithms developed to predict the effect of missense changes on protein structure and function (SIFT, PolyPhen-2, Align-GVGD) all suggest that this variant is likely to be tolerated. This variant has not been reported in the literature in individuals affected with CACNA2D2-related conditions. This variant is not present in population databases (gnomAD no frequency).